The following is an entry in ClinVar:

NM_001165963.4(SCN1A):c.2945T>C (p.Val982Ala)

Gene: SCN1A (sodium voltage-gated channel alpha subunit 1; minus strand). Cytogenetic location: 2q24.3.
Variant type: single nucleotide variant.
Coding change: c.2945T>C on transcript NM_001165963.4 (MANE Select); coding-DNA position 2945, T replaced by C.
Protein change: p.Val982Ala; replaces valine 982 with alanine.
Molecular consequence: missense variant. On other transcripts: non-coding transcript variant (1).
Genome position (GRCh38, 1-based): chr2:166,037,777, A>G on the plus strand (T>C on the coding strand, the complement: SCN1A is on the minus strand). VCF-style: chr2-166037777-A-G. GRCh37 (hg19) VCF-style: chr2-166894287-A-G.
Other names: c.2861T>C, p.Val954Ala (NM_001165964.3, NM_001353957.2, NM_001353958.2); c.2945T>C, p.Val982Ala (NM_001202435.3, NM_001353948.2); c.2912T>C, p.Val971Ala (NM_001353949.2, NM_001353950.2, NM_001353951.2 and 2 more transcripts); c.2909T>C, p.Val970Ala (NM_001353954.2, NM_001353955.2); c.2858T>C, p.Val953Ala (NM_001353960.2); c.503T>C, p.Val168Ala (NM_001353961.2); short protein forms V168A, V953A, V954A, V970A, V971A, V982A.
Identifiers: ClinVar variation 3391344 (VCV003391344.1).
Genomic context (GRCh38, chr2:166,037,777, plus strand): 5'-ATGTATACATGTGCCATGCTGGTGTATTTCCAAAATGCATATCTTAAGTGGGTACATACC[A>G]CTAGGTTTCCAATCACCATGACCATCATGAAGACAGTAAGGCACATGGCTTGACCAGCAA-3'
Protein context (NP_001159435.1, residues 972-992): FMMVMVIGNL[Val982Ala]VLNLFLALLL

ClinVar aggregate classification (germline): Uncertain significance (1 of 4 stars; one submission).

Conditions:
Severe myoclonic epilepsy in infancy (DRVT). Also called: Dravet syndrome; SEVERE MYOCLONIC EPILEPSY OF INFANCY; DEVELOPMENTAL AND EPILEPTIC ENCEPHALOPATHY 6A; Severe Myoclonic Epilepsy in Infancy (SMEI); Epileptic encephalopathy, early infantile, 6 (Dravet syndrome). Identifiers: Orphanet 33069, MedGen C0751122, MONDO:0100135, OMIM 607208.

Submission:

Neuberg Centre For Genomic Medicine, NCGM
Classification: Uncertain significance for Severe myoclonic epilepsy in infancy. Last evaluated: 2023-07-22. Review status: criteria provided, single submitter. Criteria: ACMG Guidelines, 2015. Collection method: clinical testing. Allele origin: germline. Affected: yes.
Comment: The observed missense variant c.2945T>Cp.Val982Ala in the SCN1A gene has not been reported previously as a pathogenic variant nor as a benign variant, to our knowledge. This variant is absent in the gnomAD Exomes. The amino acid Val at position 982 is changed to a Ala changing protein sequence and it might alter its composition and physico-chemical properties. Multiple lines of computational evidence Polyphen - Damaging, SIFT - Damaging and MutationTaster - Disease causing predict a damaging effect on protein structure and function for this variant. The residue is conserved by GERP++ and PhyloP across 100 vertebrates. For these reasons, this variant has been classified as Uncertain Significance.